The following is an entry in ClinVar:

ClinVar aggregate classification (germline): Benign (1 of 4 stars; one submission).

Allele frequency attached by ClinVar (database versions not stated): 1000 Genomes Project 0.21526; 1000 Genomes Project 30x 0.21783; gnomAD 0.23169 and 0.23289; TOPMed 0.23667.
gnomAD v4.1: 35,341 of 152,148 alleles (23%); highest among the groups gnomAD compares: Middle Eastern, 30%; 4,236 homozygotes.

Submission:

GeneDx
Classification: Benign. Last evaluated: 2018-06-14. Review status: criteria provided, single submitter. Criteria: GeneDx Variant Classification (06012015). Collection method: clinical testing. Allele origin: germline. Affected: yes.
Comment: This variant is considered likely benign or benign based on one or more of the following criteria: it is a conservative change, it occurs at a poorly conserved position in the protein, it is predicted to be benign by multiple in silico algorithms, and/or has population frequency not consistent with disease.

NM_203447.4(DOCK8):c.1868+231A>G

Gene: DOCK8 (dedicator of cytokinesis 8; plus strand). Cytogenetic location: 9p24.3.
Variant type: single nucleotide variant.
Coding change: c.1868+231A>G on transcript NM_203447.4 (MANE Select); 231 bases into the intron after coding-DNA position 1868, A replaced by G.
Molecular consequence: intron variant.
Genome position (GRCh38, 1-based): chr9:370,531, A>G. VCF-style: chr9-370531-A-G. GRCh37 (hg19) VCF-style: chr9-370531-A-G.
Other names: c.1664+231A>G (NM_001193536.2, NM_001190458.2).
Identifiers: ClinVar variation 676845 (VCV000676845.1), dbSNP rs12377404, ClinGen allele CA13041906.